The following is an entry in ClinVar:

ClinVar aggregate classification (germline): Likely pathogenic. Review status: criteria provided, multiple submitters, no conflicts (2 of 4 stars). 2 submissions from 2 submitters: Likely pathogenic (2). Last evaluated 2021-04-30.

Conditions:
RP1-related disorder. Also called: RP1-related condition.
Retinitis pigmentosa 1 (RP1). Identifiers: Orphanet 791, MedGen C0220701, MONDO:0008377, OMIM 180100.

Submissions (2):

Blueprint Genetics
Classification: Likely pathogenic for RP1-related disorders. Last evaluated: 2021-04-30. Review status: criteria provided, single submitter. Criteria: ACMG Guidelines, 2015. Collection method: clinical testing. Allele origin: germline. Affected: yes. Observed: 1 variant allele.

Juno Genomics, Hangzhou Juno Genomics, Inc
Classification: Likely pathogenic for Retinitis pigmentosa 1. Review status: criteria provided, single submitter. Criteria: ACMG Guidelines, 2015. Collection method: clinical testing. Allele origin: germline. Affected: yes.
Comment: Absent from controls (or at extremely low frequency if recessive) in Genome Aggregation Database.;Located in a mutational hot spot and/or critical and well-established functional domain without benign variation.;Patient's phenotype or family history is highly specific for a disease with a single genetic etiology.

NM_006269.2(RP1):c.2191del (p.Leu731fs)

Gene: RP1 (RP1 axonemal microtubule associated; plus strand). Cytogenetic location: 8q12.1.
Variant type: Deletion.
Coding change: c.2191del on transcript NM_006269.2 (MANE Select); coding-DNA position 2191, one base deleted (C; older notation c.2191delC).
Protein change: p.Leu731fs; shifts the reading frame from leucine 731.
Molecular consequence: frameshift variant. On other transcripts: intron variant (1).
Genome position (GRCh38, 1-based): chr8:54,626,073, C deleted; the last of 2 consecutive C bases (chr8:54,626,072-54,626,073); deleting either gives the same sequence. VCF-style (leftmost placement, unchanged base first): chr8-54626071-AC-A. GRCh37 (hg19) VCF-style: chr8-55538631-AC-A.
Other names: c.787+3785del (NM_001375654.1); short protein forms L731fs.
Identifiers: ClinVar variation 4900395 (VCV004900395.2).
Genomic context (GRCh38, chr8:54,626,071, plus strand): 5'-AGGAAATGATAGTGCAAGATTCAGATAGTCCCCTTAAAGGAGGGATACTTTGTGAGGAAG[AC>A]CTCCAGAAAAGTGATACTGTAATTGAATCAAATACTTTTTGTTCCAAAAGTAATCTCAAT-3'